The following is an entry in ClinVar:

ClinVar aggregate classification (germline): Likely benign. Review status: criteria provided, multiple submitters, no conflicts (2 of 4 stars). 2 submissions from 2 submitters: Likely benign (2). Last evaluated 2025-12-01.

Allele frequency attached by ClinVar (database versions not stated): ExAC 0.00003; TOPMed 0.00003; gnomAD exomes 0.00005; ESP Exome Variant Server 0.00008; gnomAD 0.00010; 1000 Genomes Project 0.00020; 1000 Genomes Project 30x 0.00031.
gnomAD v4.1: 87 of 1,614,212 alleles (0.0054%); highest among the groups gnomAD compares: Non-Finnish European, 0.0058%; no homozygotes.

Submissions (2):

CeGaT Center for Human Genetics Tuebingen
Classification: Likely benign. Last evaluated: 2025-12-01. Review status: criteria provided, single submitter. Criteria: CeGaT Center For Human Genetics Tuebingen Variant Classification Criteria Version 2. Collection method: clinical testing. Allele origin: germline. Affected: yes. Observed: 1 variant allele.
Comment: DDB2: BP4, BP7

Labcorp Genetics (formerly Invitae), Labcorp
Classification: Likely benign. Last evaluated: 2018-06-29. Review status: criteria provided, single submitter. Criteria: Invitae Variant Classification Sherloc (09022015). Collection method: clinical testing. Allele origin: germline.

NM_000107.3(DDB2):c.894C>T (p.Pro298=)

Gene: DDB2 (damage specific DNA binding protein 2; plus strand). Cytogenetic location: 11p11.2.
Variant type: single nucleotide variant.
Coding change: c.894C>T on transcript NM_000107.3 (MANE Select); coding-DNA position 894, C replaced by T.
Protein change: p.Pro298=; no amino-acid change (proline 298 retained).
Molecular consequence: synonymous variant. On other transcripts: intron variant (1).
Genome position (GRCh38, 1-based): chr11:47,235,283, C>T. VCF-style: chr11-47235283-C-T. GRCh37 (hg19) VCF-style: chr11-47256834-C-T.
Other names: c.457-2554C>T (NM_001300734.2).
Identifiers: ClinVar variation 749088 (VCV000749088.8), dbSNP rs137958929, ClinGen allele CA5972652.